The following is an entry in ClinVar:

NM_022168.4(IFIH1):c.2200C>T (p.Leu734Phe)

Gene: IFIH1 (interferon induced with helicase C domain 1; minus strand). Cytogenetic location: 2q24.2.
Variant type: single nucleotide variant.
Coding change: c.2200C>T on transcript NM_022168.4 (MANE Select); coding-DNA position 2200, C replaced by T.
Protein change: p.Leu734Phe; replaces leucine 734 with phenylalanine.
Molecular consequence: missense variant.
Genome position (GRCh38, 1-based): chr2:162,276,791, G>A on the plus strand (C>T on the coding strand, the complement: IFIH1 is on the minus strand). VCF-style: chr2-162276791-G-A. GRCh37 (hg19) VCF-style: chr2-163133301-G-A.
Other names: short protein forms L734F.
Identifiers: ClinVar variation 1802272 (VCV001802272.7), dbSNP rs775940899, ClinGen allele CA1934266.

ClinVar aggregate classification (germline): Uncertain significance. Review status: criteria provided, multiple submitters, no conflicts (2 of 4 stars). 2 submissions from 2 submitters: Uncertain significance (2). Last evaluated 2024-02-24.

Conditions:
Singleton-Merten syndrome 1 (SGMRT1). Also called: Widened medullary cavities of bone, aortic calcification, abnormal dentition, and muscular weakness; Syndrome of widened medullary cavities of the metacarpals and phalanges, aortic calcification and abnormal dentition. Identifiers: Orphanet 85191, MedGen C4225427, MONDO:0024535, OMIM 182250.
Aicardi-Goutieres syndrome 7 (AGS7). Identifiers: Orphanet 51, MedGen C3888244, MONDO:0014367, OMIM 615846.

Allele frequency attached by ClinVar (database versions not stated): gnomAD exomes 0.00001; ExAC 0.00004.
gnomAD v4.1: 20 of 1,613,992 alleles (0.0012%); highest among the groups gnomAD compares: South Asian, 0.015%; no homozygotes.

Submissions (2):

Labcorp Genetics (formerly Invitae), Labcorp
Classification: Uncertain significance for Aicardi-Goutieres syndrome 7; Singleton-Merten syndrome 1. Last evaluated: 2024-02-24. Review status: criteria provided, single submitter. Criteria: Invitae Variant Classification Sherloc (09022015). Collection method: clinical testing. Allele origin: germline.
Comment: This sequence change replaces leucine, which is neutral and non-polar, with phenylalanine, which is neutral and non-polar, at codon 734 of the IFIH1 protein (p.Leu734Phe). This variant is present in population databases (rs775940899, gnomAD 0.02%). This variant has not been reported in the literature in individuals affected with IFIH1-related conditions. This missense change has been observed in at least one individual who was not affected with IFIH1-related conditions (Invitae). ClinVar contains an entry for this variant (Variation ID: 1802272). Advanced modeling of protein sequence and biophysical properties (such as structural, functional, and spatial information, amino acid conservation, physicochemical variation, residue mobility, and thermodynamic stability) has been performed at Invitae for this missense variant, however the output from this modeling did not meet the statistical confidence thresholds required to predict the impact of this variant on IFIH1 protein function. In summary, the available evidence is currently insufficient to determine the role of this variant in disease. Therefore, it has been classified as a Variant of Uncertain Significance.

Diagnostics Services (NGS), CSIR - Centre For Cellular And Molecular Biology
Classification: Uncertain significance for Aicardi-Goutieres syndrome 7; Singleton-Merten syndrome 1. Last evaluated: 2022-11-23. Review status: criteria provided, single submitter. Criteria: ACMG Guidelines, 2015. Collection method: clinical testing. Allele origin: unknown. Affected: yes. Observed: 1 variant allele, 1 heterozygote.
Comment: The c.2200C>T variant is not present in 1000 Genomes, EVS or our in-house exome database. The variant is present in ExAC, gnomAD and Indian Exome Database at a low frequency. The variant has neither been published nor reported to ClinVar, HGMD or OMIM, in any affected individuals. In silico pathogenicity prediction programs like SIFT, PolyPhen2, MutationTaster2, CADD etc predicted this variant to be likely deleterious, however these predictions were not confirmed by any published functional studies.